The following is an entry in ClinVar:

NM_177550.5(SLC13A5):c.1138C>T (p.Arg380Cys)

Gene: SLC13A5 (solute carrier family 13 member 5; minus strand). Cytogenetic location: 17p13.1.
Variant type: single nucleotide variant.
Coding change: c.1138C>T on transcript NM_177550.5 (MANE Select); coding-DNA position 1138, C replaced by T.
Protein change: p.Arg380Cys; replaces arginine 380 with cysteine.
Molecular consequence: missense variant.
Genome position (GRCh38, 1-based): chr17:6,694,115, G>A on the plus strand (C>T on the coding strand, the complement: SLC13A5 is on the minus strand). VCF-style: chr17-6694115-G-A. GRCh37 (hg19) VCF-style: chr17-6597434-G-A.
Other names: c.1138C>T, p.Arg380Cys (NM_001143838.3); c.1087C>T, p.Arg363Cys (NM_001284509.2); c.1009C>T, p.Arg337Cys (NM_001284510.2); c.1138C>T (NM_177550.3); short protein forms R380C, R363C, R337C.
Identifiers: ClinVar variation 948320 (VCV000948320.8), dbSNP rs377270604, ClinGen allele CA8331508.

ClinVar aggregate classification (germline): Conflicting classifications of pathogenicity. Review status: criteria provided, conflicting classifications (1 of 4 stars). 4 submissions from 4 submitters: Uncertain significance (3); Likely benign (1). Last evaluated 2024-08-22.

Conditions:
Inborn genetic diseases. Identifiers: MedGen C0950123, MeSH D030342.
Developmental and epileptic encephalopathy, 25 (DEE25). Also called: Epileptic encephalopathy, early infantile, 25; Developmental and epileptic encephalopathy 25, with amelogenesis imperfecta; Epileptic encephalopathy, early infantile, 25, with amelogenesis imperfecta. Identifiers: Orphanet 442835, MedGen C4014621, MONDO:0014392, OMIM 615905.

Allele frequency attached by ClinVar (database versions not stated): gnomAD exomes 0.00002 and 0.00003; ExAC 0.00003; TOPMed 0.00004; gnomAD 0.00006; ESP Exome Variant Server 0.00008.
gnomAD v4.1: 35 of 1,612,978 alleles (0.0022%); highest among the groups gnomAD compares: African/African-American, 0.02%; no homozygotes.

Submissions (4):

GeneDx
Classification: Uncertain significance. Last evaluated: 2024-08-22. Review status: criteria provided, single submitter. Criteria: GeneDx Variant Classification Process June 2021. Collection method: clinical testing. Allele origin: germline. Affected: yes.
Comment: In silico analysis indicates that this missense variant does not alter protein structure/function; Has not been previously published as pathogenic or benign to our knowledge

Ambry Genetics
Classification: Likely benign for Inborn genetic diseases. Last evaluated: 2024-03-07. Review status: criteria provided, single submitter. Criteria: Ambry Variant Classification Scheme 2023. Collection method: clinical testing. Allele origin: germline.

Labcorp Genetics (formerly Invitae), Labcorp
Classification: Uncertain significance for Developmental and epileptic encephalopathy, 25. Last evaluated: 2022-08-09. Review status: criteria provided, single submitter. Criteria: Invitae Variant Classification Sherloc (09022015). Collection method: clinical testing. Allele origin: germline.
Comment: This sequence change replaces arginine, which is basic and polar, with cysteine, which is neutral and slightly polar, at codon 380 of the SLC13A5 protein (p.Arg380Cys). This variant is present in population databases (rs377270604, gnomAD 0.03%). This variant has not been reported in the literature in individuals affected with SLC13A5-related conditions. ClinVar contains an entry for this variant (Variation ID: 948320). Algorithms developed to predict the effect of missense changes on protein structure and function output the following: SIFT: "Tolerated"; PolyPhen-2: "Benign"; Align-GVGD: "Class C0". The cysteine amino acid residue is found in multiple mammalian species, which suggests that this missense change does not adversely affect protein function. In summary, the available evidence is currently insufficient to determine the role of this variant in disease. Therefore, it has been classified as a Variant of Uncertain Significance.

Fulgent Genetics
Classification: Uncertain significance for Developmental and epileptic encephalopathy, 25. Last evaluated: 2021-10-01. Review status: criteria provided, single submitter. Criteria: ACMG Guidelines, 2015. Collection method: clinical testing. Allele origin: unknown.